The following is an entry in ClinVar:

ClinVar aggregate classification (germline): Pathogenic (1 of 4 stars; one submission).

Conditions:
Pheochromocytoma/paraganglioma syndrome 5. Also called: Paragangliomas 5; SDHA-Related Hereditary Paraganglioma-Pheochromocytoma Syndrome. Identifiers: Orphanet 29072, MedGen C3279992, MONDO:0013602, OMIM 614165.
Mitochondrial complex II deficiency, nuclear type 1. Also called: SUCCINATE CoQ REDUCTASE DEFICIENCY. Identifiers: Orphanet 3208, MedGen C5700310, MONDO:0100294, OMIM 252011.

Submission:

Labcorp Genetics (formerly Invitae), Labcorp
Classification: Pathogenic for Pheochromocytoma/paraganglioma syndrome 5; Mitochondrial complex II deficiency, nuclear type 1. Last evaluated: 2019-12-11. Review status: criteria provided, single submitter. Criteria: Invitae Variant Classification Sherloc (09022015). Collection method: clinical testing. Allele origin: germline.
Comment: Loss-of-function variants in SDHA are known to be pathogenic (PMID: 22974104, 24781757). This variant has not been reported in the literature in individuals with SDHA-related conditions. This variant is not present in population databases (ExAC no frequency). This sequence change creates a premature translational stop signal (p.Phe552Leufs*20) in the SDHA gene. It is expected to result in an absent or disrupted protein product. For these reasons, this variant has been classified as Pathogenic.

Literature cited by the submitters: PubMed 22974104; PubMed 24781757.

NM_004168.4(SDHA):c.1656del (p.Phe552fs)

Gene: SDHA (succinate dehydrogenase complex flavoprotein subunit A; plus strand). Cytogenetic location: 5p15.33.
Variant type: Deletion.
Coding change: c.1656del on transcript NM_004168.4 (MANE Select); coding-DNA position 1656, one base deleted (C; older notation c.1656delC).
Protein change: p.Phe552fs; shifts the reading frame from phenylalanine 552.
Molecular consequence: frameshift variant. On other transcripts: intron variant (1).
Genome position (GRCh38, 1-based): chr5:251,096, C deleted. VCF-style (leftmost placement, unchanged base first): chr5-251095-TC-T. GRCh37 (hg19) VCF-style: chr5-251210-TC-T.
Other names: c.1512del, p.Phe504fs (NM_001294332.2); c.1552-3297del (NM_001330758.2); short protein forms F504fs, F552fs.
Identifiers: ClinVar variation 839974 (VCV000839974.8), dbSNP rs1736795573, ClinGen allele CA916082681.
Genomic context (GRCh38, chr5:251,095, plus strand): 5'-TGCAAGAAGGTTGTGGGAAAATCAGCAAGCTCTATGGAGACCTAAAGCACCTGAAGACGT[TC>T]GACCGGGGTGAGCAGACAGTGGGCTCTGTGCACACTGTTGGGCCCTTCCTTCTGCAGGGT-3'